The following is an entry in ClinVar:

ClinVar aggregate classification (germline): Uncertain significance (1 of 4 stars; one submission).

Conditions:
SEMA3A-related disorder. Also called: SEMA3A-related condition.

gnomAD v4.1: 17 of 1,613,688 alleles (0.0011%); highest among the groups gnomAD compares: Non-Finnish European, 0.0014%; no homozygotes.

Submission:

PreventionGenetics, part of Exact Sciences
Classification: Uncertain significance for SEMA3A-related condition. Last evaluated: 2025-08-18. Review status: criteria provided, single submitter. Criteria: ACMG Guidelines, 2015. Collection method: clinical testing. Allele origin: germline.
Comment: The SEMA3A c.765A>T variant is predicted to result in the amino acid substitution p.Glu255Asp. To our knowledge, this variant has not been reported in the literature or in a large population database (gnomAD), indicating this variant is rare. At this time, the clinical significance of this variant is uncertain due to the absence of conclusive functional and genetic evidence.

NM_006080.3(SEMA3A):c.765A>T (p.Glu255Asp)

Gene: SEMA3A (semaphorin 3A; minus strand). Cytogenetic location: 7q21.11.
Variant type: single nucleotide variant.
Coding change: c.765A>T on transcript NM_006080.3 (MANE Select); coding-DNA position 765, A replaced by T.
Protein change: p.Glu255Asp; replaces glutamic acid 255 with aspartic acid.
Molecular consequence: missense variant.
Genome position (GRCh38, 1-based): chr7:84,014,254, T>A on the plus strand (A>T on the coding strand, the complement: SEMA3A is on the minus strand). VCF-style: chr7-84014254-T-A. GRCh37 (hg19) VCF-style: chr7-83643570-T-A.
Other names: short protein forms E255D.
Identifiers: ClinVar variation 4987020 (VCV004987020.1).
Genomic context (GRCh38, chr7:84,014,254, plus strand): 5'-TTTTCTTTACCTCACCTTGCATATCTGACCTATTCTAGCGTGAGTAGCTTTTCCAGAGTG[T>A]TCTCCATCTATTGCATTTTCACGGAAGAAAAAGTATACTTTGTCATCTTCAGGATTGTCA-3'
Protein context (NP_006071.1, residues 245-265): FFFRENAIDG[Glu255Asp]HSGKATHARI